The following is an entry in ClinVar:

NM_001256317.3(TMPRSS3):c.400A>T (p.Lys134Ter)

Gene: TMPRSS3 (transmembrane serine protease 3; minus strand). Cytogenetic location: 21q22.3.
Variant type: single nucleotide variant.
Coding change: c.400A>T on transcript NM_001256317.3 (MANE Select); coding-DNA position 400, A replaced by T.
Protein change: p.Lys134Ter; replaces lysine 134 with a stop codon.
Molecular consequence: nonsense.
Genome position (GRCh38, 1-based): chr21:42,388,449, T>A on the plus strand (A>T on the coding strand, the complement: TMPRSS3 is on the minus strand). VCF-style: chr21-42388449-T-A. GRCh37 (hg19) VCF-style: chr21-43808558-T-A.
Other names: c.400A>T, p.Lys134Ter (NM_024022.4, NM_032405.2); c.19A>T, p.Lys7Ter (NM_032404.3); short protein forms K134*, K7*.
Identifiers: ClinVar variation 1175709 (VCV001175709.6), dbSNP rs2052672053, ClinGen allele CA410375374.

ClinVar aggregate classification (germline): Pathogenic/Likely pathogenic. Review status: criteria provided, multiple submitters, no conflicts (2 of 4 stars). 3 submissions from 3 submitters: Pathogenic (2); Likely pathogenic (1). Last evaluated 2023-05-08.

Conditions:
Autosomal recessive nonsyndromic hearing loss 8 (DFNB8). Also called: NEUROSENSORY NONSYNDROMIC RECESSIVE DEAFNESS 8; Deafness, autosomal recessive 10. Identifiers: Orphanet 90636, MedGen C1832827, MONDO:0010987, OMIM 601072.
TMPRSS3-related disorder. Also called: TMPRSS3-related condition.

gnomAD v4.1: 4 of 1,614,236 alleles (0.00025%); highest among the groups gnomAD compares: Non-Finnish European, 0.00034%; no homozygotes.

Submissions (3):

Blueprint Genetics
Classification: Likely pathogenic for TMPRSS3-related disorders. Last evaluated: 2023-05-08. Review status: criteria provided, single submitter. Criteria: ACMG Guidelines, 2015. Collection method: clinical testing. Allele origin: germline. Affected: yes. Observed: 1 variant allele.

Labcorp Genetics (formerly Invitae), Labcorp
Classification: Pathogenic. Last evaluated: 2023-05-07. Review status: criteria provided, single submitter. Criteria: Invitae Variant Classification Sherloc (09022015). Collection method: clinical testing. Allele origin: germline.
Comment: This premature translational stop signal has been observed in individual(s) with TMPRSS3-related conditions (PMID: 34440452). For these reasons, this variant has been classified as Pathogenic. Algorithms developed to predict the effect of sequence changes on RNA splicing suggest that this variant may disrupt the consensus splice site. ClinVar contains an entry for this variant (Variation ID: 1175709). This variant is not present in population databases (gnomAD no frequency). This sequence change creates a premature translational stop signal (p.Lys134*) in the TMPRSS3 gene. It is expected to result in an absent or disrupted protein product. Loss-of-function variants in TMPRSS3 are known to be pathogenic (PMID: 16021470, 26969326).

Center of Genomic medicine, Geneva, University Hospital of Geneva
Classification: Pathogenic for Autosomal recessive nonsyndromic hearing loss 8. Last evaluated: 2020-10-07. Review status: criteria provided, single submitter. Criteria: ACMG Guidelines, 2015. Collection method: clinical testing. Allele origin: maternal. Affected: yes. Observed: 1 variant allele.

Literature cited by the submitters: PubMed 34440452 (cited by Labcorp Genetics (formerly Invitae), Labcorp); PubMed 16021470 (cited by Labcorp Genetics (formerly Invitae), Labcorp); PubMed 26969326 (cited by Labcorp Genetics (formerly Invitae), Labcorp).